The following is an entry in ClinVar:

ClinVar aggregate classification (germline): Pathogenic (1 of 4 stars; one submission).

Conditions:
Charcot-Marie-Tooth Neuropathy X. Identifiers: MedGen CN118851.

Submission:

Labcorp Genetics (formerly Invitae), Labcorp
Classification: Pathogenic for Charcot-Marie-Tooth Neuropathy X. Last evaluated: 2023-05-23. Review status: criteria provided, single submitter. Criteria: Invitae Variant Classification Sherloc (09022015). Collection method: clinical testing. Allele origin: germline.
Comment: This variant is not present in population databases (gnomAD no frequency). This variant has not been reported in the literature in individuals affected with GJB1-related conditions. This sequence change creates a premature translational stop signal (p.Asp169Glufs*27) in the GJB1 gene. While this is not anticipated to result in nonsense mediated decay, it is expected to disrupt the last 115 amino acid(s) of the GJB1 protein. For these reasons, this variant has been classified as Pathogenic. This variant disrupts a region of the GJB1 protein in which other variant(s) (p.Arg220*) have been determined to be pathogenic (PMID: 7477983, 8162049, 9364054, 21291455). This suggests that this is a clinically significant region of the protein, and that variants that disrupt it are likely to be disease-causing.

Literature cited by the submitters: PubMed 7477983; PubMed 8162049; PubMed 9364054; PubMed 21291455.

NM_000166.6(GJB1):c.507del (p.Asp169fs)

Gene: GJB1 (gap junction protein beta 1; plus strand). Cytogenetic location: Xq13.1.
Variant type: Deletion.
Coding change: c.507del on transcript NM_000166.6 (MANE Select); coding-DNA position 507, one base deleted (C; older notation c.507delC).
Protein change: p.Asp169fs; shifts the reading frame from aspartic acid 169.
Molecular consequence: frameshift variant.
Genome position (GRCh38, 1-based): chrX:71,224,214, C deleted. VCF-style (leftmost placement, unchanged base first): chrX-71224213-AC-A. GRCh37 (hg19) VCF-style: chrX-70444063-AC-A.
Other names: c.507del, p.Asp169fs (NM_001097642.3); short protein forms D169fs.
Identifiers: ClinVar variation 2692991 (VCV002692991.3), dbSNP rs2519798675, ClinGen allele CA2697553170.